The following is an entry in ClinVar:

NM_000540.3(RYR1):c.11653C>T (p.Arg3885Ter)

Gene: RYR1 (ryanodine receptor 1; plus strand). Cytogenetic location: 19q13.2.
Variant type: single nucleotide variant.
Coding change: c.11653C>T on transcript NM_000540.3 (MANE Select); coding-DNA position 11653, C replaced by T.
Protein change: p.Arg3885Ter; replaces arginine 3885 with a stop codon.
Molecular consequence: nonsense.
Genome position (GRCh38, 1-based): chr19:38,537,924, C>T. VCF-style: chr19-38537924-C-T. GRCh37 (hg19) VCF-style: chr19-39028564-C-T.
Other names: c.11638C>T, p.Arg3880Ter (NM_001042723.2); short protein forms R3880*, R3885*.
Identifiers: ClinVar variation 4739275 (VCV004739275.1).

ClinVar aggregate classification (germline): Pathogenic (1 of 4 stars; one submission).

Conditions:
RYR1-related disorder. Also called: RYR1-related condition; RYR1-related disorders. Identifiers: MedGen CN239331.

Submission:

Labcorp Genetics (formerly Invitae), Labcorp
Classification: Pathogenic for RYR1-related disorder. Last evaluated: 2025-11-18. Review status: criteria provided, single submitter. Criteria: Invitae Variant Classification Sherloc (09022015). Collection method: clinical testing. Allele origin: germline.
Comment: This sequence change creates a premature translational stop signal (p.Arg3885*) in the RYR1 gene. It is expected to result in an absent or disrupted protein product. Loss-of-function variants in RYR1 are known to be pathogenic (PMID: 23919265, 25960145, 28818389, 30611313). This variant is present in population databases (rs757343741, gnomAD 0.0009%). This variant has not been reported in the literature in individuals affected with RYR1-related conditions. Algorithms developed to predict the effect of sequence changes on RNA splicing suggest that this variant may disrupt the consensus splice site. For these reasons, this variant has been classified as Pathogenic.

Literature cited by the submitters: PubMed 23919265; PubMed 25960145; PubMed 28818389; PubMed 30611313.